The following is an entry in ClinVar:

NC_000023.10:g.(?_133620475)_(133620580_?)del

Gene: HPRT1 (hypoxanthine phosphoribosyltransferase 1; plus strand). Cytogenetic location: Xq26.3.
Variant type: Deletion.
Identifiers: ClinVar variation 3243693 (VCV003243693.1).

ClinVar aggregate classification (germline): Pathogenic (1 of 4 stars; one submission).

Conditions:
Partial hypoxanthine-guanine phosphoribosyltransferase deficiency. Also called: GOUT, HPRT-RELATED; HPRT DEFICIENCY, PARTIAL; HPRT1 DEFICIENCY, PARTIAL; HYPOXANTHINE GUANINE PHOSPHORIBOSYLTRANSFERASE 1 DEFICIENCY, PARTIAL; Kelley-Seegmiller Syndrome. Identifiers: Orphanet 79233, MedGen C0268117, MONDO:0010299, OMIM 300323.
Lesch-Nyhan syndrome (LNS). Also called: HPRT DEFICIENCY, COMPLETE; Lesch-Nyhan Disease (LND). Identifiers: Orphanet 510, MedGen C0023374, MONDO:0010298, OMIM 300322.

Submission:

Labcorp Genetics (formerly Invitae), Labcorp
Classification: Pathogenic for Lesch-Nyhan syndrome; Partial hypoxanthine-guanine phosphoribosyltransferase deficiency. Last evaluated: 2023-05-16. Review status: criteria provided, single submitter. Criteria: Invitae Variant Classification Sherloc (09022015). Collection method: clinical testing. Allele origin: unknown.
Comment: For these reasons, this variant has been classified as Pathogenic. A similar copy number variant has been observed in individual(s) with Lesch-Nyhan disease and/or Lesch-Nyhan syndrome (PMID: 11018746, 23975452). This variant is a gross deletion of the genomic region encompassing exon(s) 4 of the HPRT1 gene. This variant would be expected to be in-frame, preserving the integrity of the reading frame.

Literature cited by the submitters: PubMed 11018746; PubMed 23975452.